The following is an entry in ClinVar:

ClinVar aggregate classification (germline): Likely benign (1 of 4 stars; one submission).

Submission:

CeGaT Center for Human Genetics Tuebingen
Classification: Likely benign. Last evaluated: 2025-02-01. Review status: criteria provided, single submitter. Criteria: CeGaT Center For Human Genetics Tuebingen Variant Classification Criteria Version 2. Collection method: clinical testing. Allele origin: germline. Affected: yes. Observed: 1 variant allele.
Comment: PRAM1: PM2:Supporting, BP4, BP7

NM_032152.5(PRAM1):c.285C>T (p.Pro95=)

Gene: PRAM1 (PML-RARA regulated adaptor molecule 1; minus strand). Cytogenetic location: 19p13.2.
Variant type: single nucleotide variant.
Coding change: c.285C>T on transcript NM_032152.5 (MANE Select); coding-DNA position 285, C replaced by T.
Protein change: p.Pro95=; no amino-acid change (proline 95 retained).
Molecular consequence: synonymous variant.
Genome position (GRCh38, 1-based): chr19:8,499,523, G>A on the plus strand (C>T on the coding strand, the complement: PRAM1 is on the minus strand). VCF-style: chr19-8499523-G-A. GRCh37 (hg19) VCF-style: chr19-8564407-G-A.
Identifiers: ClinVar variation 3771055 (VCV003771055.13).